The following is an entry in ClinVar:

NM_001171.6(ABCC6):c.1798C>T (p.Arg600Cys)

Gene: ABCC6 (ATP binding cassette subfamily C member 6; minus strand). Cytogenetic location: 16p13.11.
Variant type: single nucleotide variant.
Coding change: c.1798C>T on transcript NM_001171.6 (MANE Select); coding-DNA position 1798, C replaced by T.
Protein change: p.Arg600Cys; replaces arginine 600 with cysteine.
Molecular consequence: missense variant. On other transcripts: non-coding transcript variant (1).
Genome position (GRCh38, 1-based): chr16:16,187,193, G>A on the plus strand (C>T on the coding strand, the complement: ABCC6 is on the minus strand). VCF-style: chr16-16187193-G-A. GRCh37 (hg19) VCF-style: chr16-16281050-G-A.
Other names: c.1456C>T, p.Arg486Cys (NM_001351800.1); short protein forms R600C, R486C.
Identifiers: ClinVar variation 433243 (VCV000433243.11), dbSNP rs72653777, ClinGen allele CA7926154.
Genomic context (GRCh38, chr16:16,187,193, plus strand): 5'-AGGAACTTGAGTCTACGACACCAGGGTCAACTTCTTCCAGGCAGAGGAAGGTGACCAGAC[G>A]GTCAAAGGACACCCGGGCCTAGGAAAACCGAAGCCGCAGGTCACCCAGCAAGAAGAGCAA-3'
Protein context (NP_001162.5, residues 590-610): SLVQARVSFD[Arg600Cys]LVTFLCLEEV

ClinVar aggregate classification (germline): Pathogenic/Likely pathogenic. Review status: criteria provided, multiple submitters, no conflicts (2 of 4 stars). 5 submissions from 5 submitters: Pathogenic (2); Likely pathogenic (2). 1 of the submissions does not count toward it. Last evaluated 2026-08-06.

Conditions:
Autosomal recessive inherited pseudoxanthoma elasticum (PXE). Identifiers: Orphanet 758, MedGen CN032334, MONDO:0009925, OMIM 264800.
Pseudoxanthoma elasticum, forme fruste. Also called: PSEUDOXANTHOMA ELASTICUM, HETEROZYGOUS; Pseudoxanthoma Elasticum, Incomplete. Identifiers: Orphanet 758, MedGen C1867450, MONDO:0008333, OMIM 177850.
Arterial calcification, generalized, of infancy, 2. Identifiers: Orphanet 51608, MedGen C3276161, MONDO:0013768, OMIM 614473.

Allele frequency attached by ClinVar (database versions not stated): ExAC 0.00004; TOPMed 0.00002; gnomAD 0.00004; gnomAD exomes 0.00003; ESP Exome Variant Server 0.00008.
gnomAD v4.1: 36 of 1,613,516 alleles (0.0022%); highest among the groups gnomAD compares: African/African-American, 0.008%; no homozygotes.

Submissions (5):

OLLIN Analises Genomicas, OLLIN
Classification: Likely pathogenic for Pseudoxanthoma elasticum, forme fruste. Last evaluated: 2026-08-06. Review status: criteria provided, single submitter. Criteria: ACMG Guidelines 2015 PMID 25741868. Collection method: clinical testing. Allele origin: germline. Inheritance: Autosomal recessive inheritance.
Comment: This missense variant, located in exon 14 (of 31), has been reported in ClinVar (accession VCV000433243.9), in gnomAD with an allele frequency of 0.0022%, and in the scientific literature in individuals with ABCC6 related disorders (PMID: 18513494). In silico analysis predicts that this variant has a deleterious effect. Another pathogenic variant affecting the same amino acid residue has been reported (PMID: 18513494). According to the currently available evidence, this variant has been classified as likely pathogenic (PM2_P, PM5, PP3_S).

Labcorp Genetics (formerly Invitae), Labcorp
Classification: Pathogenic. Last evaluated: 2025-11-24. Review status: criteria provided, single submitter. Criteria: Invitae Variant Classification Sherloc (09022015). Collection method: clinical testing. Allele origin: germline.
Comment: This sequence change replaces arginine, which is basic and polar, with cysteine, which is neutral and slightly polar, at codon 600 of the ABCC6 protein (p.Arg600Cys). This variant is present in population databases (rs72653777, gnomAD 0.03%). This missense change has been observed in individuals with pseudoxanthoma elasticum (PMID: 15459974, 20075945, 32873932). ClinVar contains an entry for this variant (Variation ID: 433243). Invitae Evidence Modeling of protein sequence and biophysical properties (such as structural, functional, and spatial information, amino acid conservation, physicochemical variation, residue mobility, and thermodynamic stability) indicates that this missense variant is expected to disrupt ABCC6 protein function with a positive predictive value of 95%. This variant disrupts the p.Arg600 amino acid residue in ABCC6. Other variant(s) that disrupt this residue have been determined to be pathogenic (PMID: 18513494). This suggests that this residue is clinically significant, and that variants that disrupt this residue are likely to be disease-causing. For these reasons, this variant has been classified as Pathogenic.

Fulgent Genetics
Classification: Likely pathogenic for Pseudoxanthoma elasticum, forme fruste; Autosomal recessive inherited pseudoxanthoma elasticum; Arterial calcification, generalized, of infancy, 2. Last evaluated: 2024-02-07. Review status: criteria provided, single submitter. Criteria: ACMG Guidelines, 2015. Collection method: clinical testing. Allele origin: germline.

Kariminejad - Najmabadi Pathology & Genetics Center
Classification: Pathogenic for Autosomal recessive inherited pseudoxanthoma elasticum. Review status: criteria provided, single submitter. Criteria: ACMG Guidelines, 2015. Collection method: clinical testing. Allele origin: germline. Affected: no.

PXE International
Classification: Uncertain significance for Autosomal recessive inherited pseudoxanthoma elasticum. Last evaluated: 2021-02-16. Review status: no assertion criteria provided. Collection method: research. Allele origin: germline. Inheritance: Autosomal recessive inheritance. Affected: yes. Observed: 1 variant allele. Not counted in ClinVar's aggregate classification.

Literature cited by the submitters: PubMed 18513494 (cited by OLLIN Analises Genomicas, OLLIN and Labcorp Genetics (formerly Invitae), Labcorp); PubMed 15459974 (cited by Labcorp Genetics (formerly Invitae), Labcorp and PXE International); PubMed 20075945 (cited by Labcorp Genetics (formerly Invitae), Labcorp); PubMed 32873932 (cited by Labcorp Genetics (formerly Invitae), Labcorp and PXE International).